The following is an entry in ClinVar:

NM_173495.3(PTCHD1):c.1941G>A (p.Met647Ile)

Gene: PTCHD1 (patched domain containing 1; plus strand). Cytogenetic location: Xp22.11.
Variant type: single nucleotide variant.
Coding change: c.1941G>A on transcript NM_173495.3 (MANE Select); coding-DNA position 1941, G replaced by A.
Protein change: p.Met647Ile; replaces methionine 647 with isoleucine.
Molecular consequence: missense variant.
Genome position (GRCh38, 1-based): chrX:23,393,459, G>A. VCF-style: chrX-23393459-G-A. GRCh37 (hg19) VCF-style: chrX-23411576-G-A.
Other names: short protein forms M647I.
Identifiers: ClinVar variation 3602342 (VCV003602342.1).

ClinVar aggregate classification (germline): Uncertain significance (1 of 4 stars; one submission).

gnomAD v4.1: 1 of 1,209,012 alleles (0.000083%); highest among the groups gnomAD compares: Admixed American, 0.0022%; no homozygotes.

Submission:

GeneDx
Classification: Uncertain significance. Last evaluated: 2024-07-28. Review status: criteria provided, single submitter. Criteria: GeneDx Variant Classification Process June 2021. Collection method: clinical testing. Allele origin: germline. Affected: yes.
Comment: Not observed at significant frequency in large population cohorts (gnomAD); In silico analysis indicates that this missense variant does not alter protein structure/function; Has not been previously published as pathogenic or benign to our knowledge